The following is an entry in ClinVar:

ClinVar aggregate classification (germline): Benign. Review status: reviewed by expert panel (3 of 4 stars). 39 submissions from 36 submitters: Benign (1). 38 of the submissions do not count toward it. Last evaluated 2016-09-28.

Conditions:
Breast and/or ovarian cancer. Identifiers: MedGen CN221562.
Hereditary cancer-predisposing syndrome. Also called: Neoplastic Syndromes, Hereditary; Hereditary neoplastic syndrome; Hereditary Cancer Syndrome; Tumor predisposition. Identifiers: Orphanet 140162, MedGen C0027672, MeSH D009386, MONDO:0015356.
Hereditary breast ovarian cancer syndrome. Also called: Hereditary breast and ovarian cancer syndrome (HBOC); Breast and ovarian cancer; BRCA1- and BRCA2-Associated Hereditary Breast and Ovarian Cancer; Hereditary breast and ovarian cancer syndrome; Hereditary breast and ovarian cancer; Hereditary breast and/or ovarian cancer syndrome. Identifiers: Orphanet 145, MedGen C0677776, MeSH D061325, MONDO:0003582. Disease mechanism: loss of function.
Fanconi anemia complementation group D1. Also called: BRCA2-Related Fanconi Anemia. Identifiers: Orphanet 319462, MedGen C1838457, MONDO:0011584, OMIM 605724.
Breast-ovarian cancer, familial, susceptibility to, 2 (BROVCA2). Also called: BRCA2 Hereditary Breast and Ovarian Cancer. Identifiers: Orphanet 145, MedGen C2675520, MONDO:0012933, OMIM 612555. Disease mechanism: loss of function.
Familial cancer of breast. Also called: Hereditary breast cancer; hereditary breast carcinoma; BREAST CANCER, FAMILIAL. Identifiers: Orphanet 227535, MedGen C0346153, MONDO:0016419, OMIM 114480. Disease mechanism: loss of function.

Allele frequency attached by ClinVar (database versions not stated): gnomAD 0.00380 and 0.00396; TOPMed 0.00453; ESP Exome Variant Server 0.00354; gnomAD exomes 0.00108; ExAC 0.00133; 1000 Genomes Project 0.00679; 1000 Genomes Project 30x 0.00734.
gnomAD v4.1: 1,187 of 1,609,496 alleles (0.074%); highest among the groups gnomAD compares: African/African-American, 1.1%; 9 homozygotes.

Submissions 1 to 23 of 39:

Evidence-based Network for the Interpretation of Germline Mutant Alleles (ENIGMA)
Classification: Benign for Breast-ovarian cancer, familial, susceptibility to, 2. Last evaluated: 2016-09-28. Review status: reviewed by expert panel. Criteria: ENIGMA BRCA1/2 Classification Criteria (2015). Collection method: curation. Allele origin: germline.
Comment: Class 1 not pathogenic based on frequency >1% in an outbred sampleset. Frequency 0.025 (African), derived from 1000 genomes (2013-05-02).

CeGaT Center for Human Genetics Tuebingen
Classification: Likely benign. Last evaluated: 2026-07-01. Review status: criteria provided, single submitter. Criteria: CeGaT Center For Human Genetics Tuebingen Variant Classification Criteria Version 2. Collection method: clinical testing. Allele origin: germline. Affected: yes. Observed: 7 variant alleles. Not counted in ClinVar's aggregate classification.
Comment: BRCA2: BP4, BS1

Labcorp Genetics (formerly Invitae), Labcorp
Classification: Benign for Hereditary breast ovarian cancer syndrome. Last evaluated: 2026-02-03. Review status: criteria provided, single submitter. Criteria: Invitae Variant Classification Sherloc (09022015). Collection method: clinical testing. Allele origin: germline. Not counted in ClinVar's aggregate classification.

Mayo Clinic Laboratories, Mayo Clinic
Classification: Benign. Last evaluated: 2025-10-23. Review status: criteria provided, single submitter. Criteria: ACMG Guidelines, 2015. Collection method: clinical testing. Allele origin: germline. Observed: 17 variant alleles. Not counted in ClinVar's aggregate classification.
Comment: BA1, BP1_strong

ARUP Laboratories, Molecular Genetics and Genomics, ARUP Laboratories
Classification: Benign. Last evaluated: 2025-04-01. Review status: criteria provided, single submitter. Criteria: ARUP Molecular Germline Variant Investigation Process 2024. Collection method: clinical testing. Allele origin: germline. Not counted in ClinVar's aggregate classification.

Center for Genomic Medicine, Rigshospitalet, Copenhagen University Hospital
Classification: Benign. Last evaluated: 2025-03-04. Review status: criteria provided, single submitter. Criteria: ACMG Guidelines, 2015. Collection method: clinical testing. Allele origin: germline. Not counted in ClinVar's aggregate classification.

KCCC/NGS Laboratory, Kuwait Cancer Control Center
Classification: Benign for Familial cancer of breast. Last evaluated: 2025-02-01. Review status: criteria provided, single submitter. Criteria: ACMG Guidelines, 2015. Collection method: clinical testing. Allele origin: germline. Affected: no. Not counted in ClinVar's aggregate classification.

Blueprint Genetics
Classification: Likely benign. Last evaluated: 2024-10-10. Review status: criteria provided, single submitter. Criteria: ACMG Guidelines, 2015. Collection method: clinical testing. Allele origin: germline. Not counted in ClinVar's aggregate classification.

KCCC/NGS Laboratory, Kuwait Cancer Control Center
Classification: Benign for Breast-ovarian cancer, familial, susceptibility to, 2. Last evaluated: 2023-07-07. Review status: criteria provided, single submitter. Criteria: ACMG Guidelines, 2015. Collection method: clinical testing. Allele origin: germline. Affected: yes. Not counted in ClinVar's aggregate classification.

CHEO Genetics Diagnostic Laboratory, Children's Hospital of Eastern Ontario
Classification: Benign for Breast and/or ovarian cancer. Last evaluated: 2022-03-14. Review status: criteria provided, single submitter. Criteria: ACMG Guidelines, 2015. Collection method: clinical testing. Allele origin: germline. Not counted in ClinVar's aggregate classification.

Sema4
Classification: Benign for Hereditary cancer-predisposing syndrome. Last evaluated: 2020-10-29. Review status: criteria provided, single submitter. Criteria: Sema4 Curation Guidelines. Collection method: curation. Allele origin: germline. Not counted in ClinVar's aggregate classification.

Illumina Laboratory Services, Illumina
Classification: Likely benign for Breast-ovarian cancer, familial, susceptibility to, 2. Last evaluated: 2018-06-20. Review status: criteria provided, single submitter. Criteria: ICSL Variant Classification Criteria 13 December 2019. Collection method: clinical testing. Allele origin: germline. Not counted in ClinVar's aggregate classification.
Comment: This variant was observed as part of a predisposition screen in an ostensibly healthy population. A literature search was performed for the gene, cDNA change, and amino acid change (where applicable). No publications were found based on this search. Allele frequency data from public databases allowed determination this variant is unlikely to cause disease. Therefore, this variant is classified as likely benign.

Illumina Laboratory Services, Illumina
Classification: Likely benign for Fanconi anemia complementation group D1. Last evaluated: 2018-06-20. Review status: criteria provided, single submitter. Criteria: ICSL Variant Classification Criteria 13 December 2019. Collection method: clinical testing. Allele origin: germline. Not counted in ClinVar's aggregate classification.
Comment: the same text as in the submission from Illumina Laboratory Services, Illumina above.

Institute for Biomarker Research, Medical Diagnostic Laboratories, L.L.C.
Classification: Likely benign for Hereditary cancer-predisposing syndrome. Last evaluated: 2018-01-16. Review status: criteria provided, single submitter. Criteria: ACMG Guidelines, 2015. Collection method: clinical testing. Allele origin: germline. Not counted in ClinVar's aggregate classification.

Genetic Services Laboratory, University of Chicago
Classification: Benign. Last evaluated: 2017-10-25. Review status: criteria provided, single submitter. Criteria: ACMG Guidelines, 2015. Collection method: clinical testing. Allele origin: germline. Affected: no. Not counted in ClinVar's aggregate classification.

Clinical Genetics DNA and cytogenetics Diagnostics Lab, Erasmus MC, Erasmus Medical Center
Classification: Benign for Breast-ovarian cancer, familial, susceptibility to, 2. Last evaluated: 2017-05-31. Review status: criteria provided, single submitter. Criteria: ACGS Guidelines, 2013. Collection method: clinical testing. Allele origin: germline. Affected: yes. Study: VKGL Data-share Consensus. Not counted in ClinVar's aggregate classification.

PreventionGenetics, part of Exact Sciences
Classification: Benign. Last evaluated: 2016-12-12. Review status: criteria provided, single submitter. Criteria: ACMG Guidelines, 2015. Collection method: clinical testing. Allele origin: germline. Not counted in ClinVar's aggregate classification.

Center for Pediatric Genomic Medicine, Children's Mercy Hospital and Clinics
Classification: Likely benign. Last evaluated: 2016-09-20. Review status: criteria provided, single submitter. Criteria: ACMG Guidelines, 2015. Collection method: clinical testing. Allele origin: germline. Not counted in ClinVar's aggregate classification.
ClinVar note: Converted during submission from Likely Benign to Likely benign.

Vantari Genetics
Classification: Likely benign for Hereditary cancer-predisposing syndrome. Last evaluated: 2016-01-04. Review status: criteria provided, single submitter. Criteria: ACMG Guidelines, 2015. Collection method: clinical testing. Allele origin: germline. Not counted in ClinVar's aggregate classification.

Fulgent Genetics
Classification: Likely benign for Breast-ovarian cancer, familial, susceptibility to, 2. Last evaluated: 2015-11-24. Review status: criteria provided, single submitter. Criteria: ACMG Guidelines, 2015. Collection method: clinical testing. Allele origin: unknown. Not counted in ClinVar's aggregate classification.

Genomic Diagnostic Laboratory, Division of Genomic Diagnostics, Children's Hospital of Philadelphia
Classification: Benign for Hereditary Breast and Ovarian Cancer. Last evaluated: 2015-10-01. Review status: criteria provided, single submitter. Criteria: DGD Variant Analysis Guidelines. Collection method: clinical testing. Allele origin: unknown. Not counted in ClinVar's aggregate classification.

Eurofins Ntd Llc (ga)
Classification: Benign. Last evaluated: 2015-07-08. Review status: criteria provided, single submitter. Criteria: EGL Classification Definitions 2015. Collection method: clinical testing. Allele origin: germline. Observed: 6 variant alleles, 6 heterozygotes. Not counted in ClinVar's aggregate classification.

Genome Diagnostics Laboratory, University Medical Center Utrecht
Classification: Likely benign for Breast-ovarian cancer, familial, susceptibility to, 2. Last evaluated: 2015-06-15. Review status: criteria provided, single submitter. Criteria: ACGS Guidelines, 2013. Collection method: clinical testing. Allele origin: germline. Affected: yes. Study: VKGL Data-share Consensus. Not counted in ClinVar's aggregate classification.

NM_000059.4(BRCA2):c.6347A>G (p.His2116Arg)

Gene: BRCA2 (BRCA2 DNA repair associated; plus strand). Cytogenetic location: 13q13.1.
Variant type: single nucleotide variant.
Coding change: c.6347A>G on transcript NM_000059.4 (MANE Select); coding-DNA position 6347, A replaced by G.
Protein change: p.His2116Arg; replaces histidine 2116 with arginine.
Molecular consequence: missense variant.
Genome position (GRCh38, 1-based): chr13:32,340,702, A>G. VCF-style: chr13-32340702-A-G. GRCh37 (hg19) VCF-style: chr13-32914839-A-G.
Other names: short protein forms H2116R.
Identifiers: ClinVar variation 41561 (VCV000041561.87), dbSNP rs55953736, ClinGen allele CA023937.
Genomic context (GRCh38, chr13:32,340,702, plus strand): 5'-CTACGTCTAGACAAAATGTATCAAAAATACTTCCTCGTGTTGATAAGAGAAACCCAGAGC[A>G]CTGTGTAAACTCAGAAATGGAAAAAACCTGCAGTAAAGAATTTAAATTATCAAATAACTT-3'
Protein context (NP_000050.3, residues 2106-2126): LPRVDKRNPE[His2116Arg]CVNSEMEKTC